The following is an entry in ClinVar:

ClinVar aggregate classification (germline): Uncertain significance. Review status: criteria provided, multiple submitters, no conflicts (2 of 4 stars). 3 submissions from 3 submitters: Uncertain significance (3). Last evaluated 2025-06-03.

Conditions:
Inborn genetic diseases. Identifiers: MedGen C0950123, MeSH D030342.
Progressive sclerosing poliodystrophy (MTDPS4A). Also called: ALPERS PROGRESSIVE INFANTILE POLIODYSTROPHY; NEURONAL DEGENERATION OF CHILDHOOD WITH LIVER DISEASE, PROGRESSIVE; Alpers Syndrome; ALPERS DIFFUSE DEGENERATION OF CEREBRAL GRAY MATTER WITH HEPATIC CIRRHOSIS; Alpers-Huttenlocher Syndrome; Mitochondrial DNA depletion syndrome 4A (Alpers type). Identifiers: Orphanet 726, MedGen C0205710, MONDO:0008758, OMIM 203700.

gnomAD v4.1: 10 of 1,613,920 alleles (0.00062%); highest among the groups gnomAD compares: Non-Finnish European, 0.00085%; no homozygotes.

Submissions (3):

Ambry Genetics
Classification: Uncertain significance for Inborn genetic diseases. Last evaluated: 2025-06-03. Review status: criteria provided, single submitter. Criteria: Ambry Variant Classification Scheme 2023. Collection method: clinical testing. Allele origin: germline.

Labcorp Genetics (formerly Invitae), Labcorp
Classification: Uncertain significance for Progressive sclerosing poliodystrophy. Last evaluated: 2025-04-17. Review status: criteria provided, single submitter. Criteria: Invitae Variant Classification Sherloc (09022015). Collection method: clinical testing. Allele origin: germline.
Comment: This sequence change replaces glutamine, which is neutral and polar, with arginine, which is basic and polar, at codon 408 of the POLG protein (p.Gln408Arg). This variant is present in population databases (rs780275335, gnomAD 0.002%). This variant has not been reported in the literature in individuals affected with POLG-related conditions. ClinVar contains an entry for this variant (Variation ID: 3630018). Invitae Evidence Modeling of protein sequence and biophysical properties (such as structural, functional, and spatial information, amino acid conservation, physicochemical variation, residue mobility, and thermodynamic stability) indicates that this missense variant is not expected to disrupt POLG protein function with a negative predictive value of 95%. In summary, the available evidence is currently insufficient to determine the role of this variant in disease. Therefore, it has been classified as a Variant of Uncertain Significance.

Women's Health and Genetics/Laboratory Corporation of America, LabCorp
Classification: Uncertain significance. Last evaluated: 2024-11-19. Review status: criteria provided, single submitter. Criteria: LabCorp Variant Classification Summary - May 2015. Collection method: clinical testing. Allele origin: germline.
Comment: Variant summary: POLG c.1223A>G (p.Gln408Arg) results in a conservative amino acid change located in the DNA mitochondrial polymerase exonuclease domain (IPR041336) of the encoded protein sequence. Four of five in-silico tools predict a benign effect of the variant on protein function. The variant allele was found at a frequency of 8e-06 in 251114 control chromosomes (gnomAD). The available data on variant occurrences in the general population are insufficient to allow any conclusion about variant significance. To our knowledge, no occurrence of c.1223A>G in individuals affected with POLG-Related Spectrum Disorders and no experimental evidence demonstrating its impact on protein function have been reported. No submitters have cited clinical-significance assessments for this variant to ClinVar. Based on the evidence outlined above, the variant was classified as uncertain significance.

NM_002693.3(POLG):c.1223A>G (p.Gln408Arg)

Gene: POLG (DNA polymerase gamma, catalytic subunit; minus strand). Cytogenetic location: 15q26.1.
Variant type: single nucleotide variant.
Coding change: c.1223A>G on transcript NM_002693.3 (MANE Select); coding-DNA position 1223, A replaced by G.
Protein change: p.Gln408Arg; replaces glutamine 408 with arginine.
Molecular consequence: missense variant.
Genome position (GRCh38, 1-based): chr15:89,328,483, T>C on the plus strand (A>G on the coding strand, the complement: POLG is on the minus strand). VCF-style: chr15-89328483-T-C. GRCh37 (hg19) VCF-style: chr15-89871714-T-C.
Other names: c.1223A>G, p.Gln408Arg (NM_001126131.2); short protein forms Q408R.
Identifiers: ClinVar variation 3630018 (VCV003630018.3).